The following is an entry in ClinVar:

ClinVar aggregate classification (germline): Conflicting classifications of pathogenicity. Review status: criteria provided, conflicting classifications (1 of 4 stars). 2 submissions from 2 submitters: Uncertain significance (1); Likely benign (1). Last evaluated 2023-04-28.

Allele frequency attached by ClinVar (database versions not stated): TOPMed below 0.00001; gnomAD 0.00001; ExAC 0.00002.
gnomAD v4.1: 7 of 1,614,034 alleles (0.00043%); highest among the groups gnomAD compares: East Asian, 0.0067%; no homozygotes.

Submissions (2):

Labcorp Genetics (formerly Invitae), Labcorp
Classification: Uncertain significance. Last evaluated: 2023-04-28. Review status: criteria provided, single submitter. Criteria: Invitae Variant Classification Sherloc (09022015). Collection method: clinical testing. Allele origin: germline.
Comment: Algorithms developed to predict the effect of missense changes on protein structure and function output the following: SIFT: "Not Available"; PolyPhen-2: "Benign"; Align-GVGD: "Not Available". The valine amino acid residue is found in multiple mammalian species, which suggests that this missense change does not adversely affect protein function. In summary, the available evidence is currently insufficient to determine the role of this variant in disease. Therefore, it has been classified as a Variant of Uncertain Significance. ClinVar contains an entry for this variant (Variation ID: 2383340). This variant has not been reported in the literature in individuals affected with RFWD3-related conditions. This variant is present in population databases (rs768967844, gnomAD 0.006%). This sequence change replaces isoleucine, which is neutral and non-polar, with valine, which is neutral and non-polar, at codon 681 of the RFWD3 protein (p.Ile681Val).

Ambry Genetics
Classification: Likely benign. Last evaluated: 2021-06-22. Review status: criteria provided, single submitter. Criteria: Ambry Variant Classification Scheme 2023. Collection method: clinical testing. Allele origin: germline.

NM_018124.4(RFWD3):c.2041A>G (p.Ile681Val)

Gene: RFWD3 (ring finger and WD repeat domain 3; minus strand). Cytogenetic location: 16q23.1.
Variant type: single nucleotide variant.
Coding change: c.2041A>G on transcript NM_018124.4 (MANE Select); coding-DNA position 2041, A replaced by G.
Protein change: p.Ile681Val; replaces isoleucine 681 with valine.
Molecular consequence: missense variant.
Genome position (GRCh38, 1-based): chr16:74,626,483, T>C on the plus strand (A>G on the coding strand, the complement: RFWD3 is on the minus strand). VCF-style: chr16-74626483-T-C. GRCh37 (hg19) VCF-style: chr16-74660381-T-C.
Other names: c.1207A>G, p.Ile403Val (NM_001370541.1, NM_001370542.1, NM_001370543.1 and 3 more transcripts); c.2041A>G, p.Ile681Val (NM_001370534.1, NM_001370535.1); c.1864A>G, p.Ile622Val (NM_001370536.1); short protein forms I403V, I622V, I681V.
Identifiers: ClinVar variation 2383340 (VCV002383340.5), dbSNP rs768967844, ClinGen allele CA8169004.